The following is an entry in ClinVar:

NM_052844.4(DYNC2I2):c.1178G>A (p.Gly393Asp)

Genes: DYNC2I2 (dynein 2 intermediate chain 2; minus strand), LOC126860772 (CDK7 strongly-dependent group 2 enhancer GRCh37_chr9:131396972-131398171; plus strand). Cytogenetic location: 9q34.11.
Variant type: single nucleotide variant.
Coding change: c.1178G>A on transcript NM_052844.4 (MANE Select); coding-DNA position 1178, G replaced by A.
Protein change: p.Gly393Asp; replaces glycine 393 with aspartic acid.
Molecular consequence: missense variant.
Genome position (GRCh38, 1-based): chr9:128,634,725, C>T on the plus strand (G>A on the coding strand, the complement: DYNC2I2 is on the minus strand). VCF-style: chr9-128634725-C-T. GRCh37 (hg19) VCF-style: chr9-131397004-C-T.
Other names: short protein forms G393D.
Identifiers: ClinVar variation 2015481 (VCV002015481.4), dbSNP rs1181220796, ClinGen allele CA375112067.
Genomic context (GRCh38, chr9:128,634,725, plus strand): 5'-GTGCCCCAGGCCTGCCCTACGTACCTGTGGAAGGGGGAACAGCTCACAGAGTAGATGGGA[C>T]CGCCGTGGGGGGAGAAGGTAAACTGTGCTGGGGCCCGCAGGGGCACGGAGCTGGGCATCC-3'
Protein context (NP_443076.2, residues 383-403): PAQFTFSPHG[Gly393Asp]PIYSVSCSPF

ClinVar aggregate classification (germline): Uncertain significance (1 of 4 stars; one submission).

Conditions:
Short-rib thoracic dysplasia 11 with or without polydactyly (SRTD11). Also called: SHORT-RIB THORACIC DYSPLASIA 11 WITHOUT POLYDACTYLY. Identifiers: Orphanet 474, Orphanet 93271, MedGen C3810200, MONDO:0014287, OMIM 615633.

gnomAD v4.1: 1 of 1,589,880 alleles (0.000063%); no homozygotes.

Submission:

Labcorp Genetics (formerly Invitae), Labcorp
Classification: Uncertain significance for Short-rib thoracic dysplasia 11 with or without polydactyly. Last evaluated: 2022-07-09. Review status: criteria provided, single submitter. Criteria: Invitae Variant Classification Sherloc (09022015). Collection method: clinical testing. Allele origin: germline.
Comment: This sequence change replaces glycine, which is neutral and non-polar, with aspartic acid, which is acidic and polar, at codon 393 of the WDR34 protein (p.Gly393Asp). This variant is not present in population databases (gnomAD no frequency). This variant has not been reported in the literature in individuals affected with WDR34-related conditions. Algorithms developed to predict the effect of missense changes on protein structure and function are either unavailable or do not agree on the potential impact of this missense change (SIFT: "Deleterious"; PolyPhen-2: "Probably Damaging"; Align-GVGD: "Class C0"). This variant disrupts the p.Gly393 amino acid residue in WDR34. Other variant(s) that disrupt this residue have been determined to be pathogenic (PMID: 24183451, 29068549, 32576942). This suggests that this residue is clinically significant, and that variants that disrupt this residue are likely to be disease-causing. In summary, the available evidence is currently insufficient to determine the role of this variant in disease. Therefore, it has been classified as a Variant of Uncertain Significance.

Literature cited by the submitters: PubMed 24183451; PubMed 29068549; PubMed 32576942.